The following is an entry in ClinVar:

ClinVar aggregate classification (germline): Likely benign. Review status: criteria provided, multiple submitters, no conflicts (2 of 4 stars). 4 submissions from 4 submitters: Likely benign (3). 1 of the submissions does not count toward it. Last evaluated 2026-06-01.

Conditions:
Polyglandular autoimmune syndrome, type 1 (APS1). Also called: Whitaker syndrome; Autoimmune polyendocrinopathy syndrome, type I; AUTOIMMUNE POLYENDOCRINE SYNDROME, TYPE I, WITH OR WITHOUT REVERSIBLE METAPHYSEAL DYSPLASIA; APS I; Autoimmune polyendocrine syndrome type 1; HYPOADRENOCORTICISM WITH HYPOPARATHYROIDISM AND SUPERFICIAL MONILIASIS. Identifiers: Orphanet 3453, MedGen C0085859, MONDO:0009411, OMIM 240300.

Allele frequency attached by ClinVar (database versions not stated): TOPMed 0.00006; gnomAD 0.00007; ESP Exome Variant Server 0.00008; gnomAD exomes 0.00008 and 0.00015; ExAC 0.00018; 1000 Genomes Project 30x 0.00031; 1000 Genomes Project 0.00040.
gnomAD v4.1: 131 of 1,596,956 alleles (0.0082%); highest among the groups gnomAD compares: East Asian, 0.051%; no homozygotes.

Submissions (4):

CeGaT Center for Human Genetics Tuebingen
Classification: Likely benign. Last evaluated: 2026-06-01. Review status: criteria provided, single submitter. Criteria: CeGaT Center For Human Genetics Tuebingen Variant Classification Criteria Version 2. Collection method: clinical testing. Allele origin: germline. Affected: yes. Observed: 1 variant allele.
Comment: AIRE: BP4, BP7

Labcorp Genetics (formerly Invitae), Labcorp
Classification: Likely benign for Polyglandular autoimmune syndrome, type 1. Last evaluated: 2026-01-27. Review status: criteria provided, single submitter. Criteria: Invitae Variant Classification Sherloc (09022015). Collection method: clinical testing. Allele origin: germline.

Blueprint Genetics
Classification: Likely benign. Last evaluated: 2023-12-28. Review status: criteria provided, single submitter. Criteria: ACMG Guidelines, 2015. Collection method: clinical testing. Allele origin: germline.

Natera, Inc.
Classification: Uncertain significance for Polyglandular autoimmune syndrome type 1. Last evaluated: 2020-01-10. Review status: no assertion criteria provided. Collection method: clinical testing. Allele origin: germline. Not counted in ClinVar's aggregate classification.

NM_000383.4(AIRE):c.1323G>A (p.Thr441=)

Gene: AIRE (autoimmune regulator; plus strand). Cytogenetic location: 21q22.3.
Variant type: single nucleotide variant.
Coding change: c.1323G>A on transcript NM_000383.4 (MANE Select); coding-DNA position 1323, G replaced by A.
Protein change: p.Thr441=; no amino-acid change (threonine 441 retained).
Molecular consequence: synonymous variant.
Genome position (GRCh38, 1-based): chr21:44,293,833, G>A. VCF-style: chr21-44293833-G-A. GRCh37 (hg19) VCF-style: chr21-45713716-G-A.
Identifiers: ClinVar variation 754193 (VCV000754193.15), dbSNP rs201945690, ClinGen allele CA10052061.